The following is an entry in ClinVar:

ClinVar aggregate classification (germline): Uncertain significance. Review status: criteria provided, multiple submitters, no conflicts (2 of 4 stars). 2 submissions from 2 submitters: Uncertain significance (2). Last evaluated 2025-08-20.

Conditions:
Fanconi anemia complementation group O. Also called: RAD51C-Related Fanconi Anemia. Identifiers: Orphanet 84, MedGen C3150653, MONDO:0013248, OMIM 613390.
Hereditary cancer-predisposing syndrome. Also called: Neoplastic Syndromes, Hereditary; Tumor predisposition; Hereditary Cancer Syndrome; Hereditary neoplastic syndrome. Identifiers: Orphanet 140162, MedGen C0027672, MeSH D009386, MONDO:0015356.

Submissions (2):

Labcorp Genetics (formerly Invitae), Labcorp
Classification: Uncertain significance for Fanconi anemia complementation group O. Last evaluated: 2025-08-20. Review status: criteria provided, single submitter. Criteria: Invitae Variant Classification Sherloc (09022015). Collection method: clinical testing. Allele origin: germline.
Comment: This sequence change replaces isoleucine, which is neutral and non-polar, with valine, which is neutral and non-polar, at codon 144 of the RAD51C protein (p.Ile144Val). This variant is not present in population databases (gnomAD no frequency). This variant has not been reported in the literature in individuals affected with RAD51C-related conditions. ClinVar contains an entry for this variant (Variation ID: 1739607). Invitae Evidence Modeling of protein sequence and biophysical properties (such as structural, functional, and spatial information, amino acid conservation, physicochemical variation, residue mobility, and thermodynamic stability) indicates that this missense variant is not expected to disrupt RAD51C protein function with a negative predictive value of 80%. In summary, the available evidence is currently insufficient to determine the role of this variant in disease. Therefore, it has been classified as a Variant of Uncertain Significance.

Ambry Genetics
Classification: Uncertain significance for Hereditary cancer-predisposing syndrome. Last evaluated: 2022-03-12. Review status: criteria provided, single submitter. Criteria: Ambry Variant Classification Scheme 2023. Collection method: clinical testing. Allele origin: germline.
Comment: The p.I144V variant (also known as c.430A>G), located in coding exon 3 of the RAD51C gene, results from an A to G substitution at nucleotide position 430. The isoleucine at codon 144 is replaced by valine, an amino acid with highly similar properties. This amino acid position is conserved. In addition, this alteration is predicted to be tolerated by in silico analysis. Since supporting evidence is limited at this time, the clinical significance of this alteration remains unclear.

NM_058216.3(RAD51C):c.430A>G (p.Ile144Val)

Gene: RAD51C (RAD51 paralog C; plus strand). Cytogenetic location: 17q22.
Variant type: single nucleotide variant.
Coding change: c.430A>G on transcript NM_058216.3 (MANE Select); coding-DNA position 430, A replaced by G.
Protein change: p.Ile144Val; replaces isoleucine 144 with valine.
Molecular consequence: missense variant.
Genome position (GRCh38, 1-based): chr17:58,696,718, A>G. VCF-style: chr17-58696718-A-G. GRCh37 (hg19) VCF-style: chr17-56774079-A-G.
Other names: short protein forms I144V.
Identifiers: ClinVar variation 1739607 (VCV001739607.3), dbSNP rs1271229750, ClinGen allele CA400344003.
Genomic context (GRCh38, chr17:58,696,718, plus strand): 5'-CATGATTTGGTTGTTTGTCATCTTTCTGTTGACAGTATGCAGTTGGCAGTAGATGTGCAG[A>G]TACCAGAATGTTTTGGAGGAGTGGCAGGTGAAGCAGTTTTTATTGATACAGAGGGAAGTT-3'
Protein context (NP_478123.1, residues 134-154): LCMQLAVDVQ[Ile144Val]PECFGGVAGE